The following is an entry in ClinVar:

ClinVar aggregate classification (germline): Likely benign (1 of 4 stars; one submission).

Allele frequency attached by ClinVar (database versions not stated): TOPMed below 0.00001.
gnomAD v4.1: 1 of 1,608,084 alleles (0.000062%); highest among the groups gnomAD compares: African/African-American, 0.0013%; no homozygotes.

Submission:

GeneDx
Classification: Likely benign. Last evaluated: 2018-03-26. Review status: criteria provided, single submitter. Criteria: GeneDx Variant Classification (06012015). Collection method: clinical testing. Allele origin: germline. Affected: yes.
Comment: This variant is considered likely benign or benign based on one or more of the following criteria: it is a conservative change, it occurs at a poorly conserved position in the protein, it is predicted to be benign by multiple in silico algorithms, and/or has population frequency not consistent with disease.

NM_001267550.2(TTN):c.53732G>T (p.Arg17911Ile)

Genes: TTN (titin; minus strand), TTN-AS1 (TTN antisense RNA 1; plus strand). Cytogenetic location: 2q31.2.
Variant type: single nucleotide variant.
Coding change: c.53732G>T on transcript NM_001267550.2 (MANE Select); coding-DNA position 53732, G replaced by T.
Protein change: p.Arg17911Ile; replaces arginine 17911 with isoleucine.
Molecular consequence: missense variant.
Genome position (GRCh38, 1-based): chr2:178,605,563, C>A on the plus strand (G>T on the coding strand, the complement: TTN is on the minus strand). VCF-style: chr2-178605563-C-A. GRCh37 (hg19) VCF-style: chr2-179470290-C-A.
Other names: c.48809G>T, p.Arg16270Ile (NM_001256850.1); c.26537G>T, p.Arg8846Ile (NM_003319.4); c.46028G>T, p.Arg15343Ile (NM_133378.4); c.26912G>T, p.Arg8971Ile (NM_133432.3); c.27113G>T, p.Arg9038Ile (NM_133437.4); short protein forms R17911I, R9038I, R16270I, R8971I, R15343I, R8846I.
Identifiers: ClinVar variation 681031 (VCV000681031.1), dbSNP rs1576339919, ClinGen allele CA349561323.